The following is an entry in ClinVar:

ClinVar aggregate classification (germline): Likely benign. Review status: criteria provided, multiple submitters, no conflicts (2 of 4 stars). 5 submissions from 5 submitters: Likely benign (5). Last evaluated 2026-02-01.

Conditions:
Aortic valve disease 2 (AOVD2). Identifiers: MedGen C3542024, MONDO:0013902, OMIM 614823.
Inborn genetic diseases. Identifiers: MedGen C0950123, MeSH D030342.

Allele frequency attached by ClinVar (database versions not stated): TOPMed 0.00010; gnomAD 0.00017 and 0.00019; 1000 Genomes Project 0.00020; 1000 Genomes Project 30x 0.00031; gnomAD exomes 0.00034; ExAC 0.00040.
gnomAD v4.1: 290 of 1,299,558 alleles (0.022%); highest among the groups gnomAD compares: Non-Finnish European, 0.026%; no homozygotes.

Submissions (5):

Labcorp Genetics (formerly Invitae), Labcorp
Classification: Likely benign for Aortic valve disease 2. Last evaluated: 2026-02-01. Review status: criteria provided, single submitter. Criteria: Invitae Variant Classification Sherloc (09022015). Collection method: clinical testing. Allele origin: germline.

Mayo Clinic Laboratories, Mayo Clinic
Classification: Likely benign. Last evaluated: 2025-10-09. Review status: criteria provided, single submitter. Criteria: ACMG Guidelines, 2015. Collection method: clinical testing. Allele origin: germline. Observed: 2 variant alleles.
Comment: BS1, BP4, BP7

Blueprint Genetics
Classification: Likely benign. Last evaluated: 2024-06-13. Review status: criteria provided, single submitter. Criteria: ACMG Guidelines, 2015. Collection method: clinical testing. Allele origin: germline.

Women's Health and Genetics/Laboratory Corporation of America, LabCorp
Classification: Likely benign. Last evaluated: 2023-04-10. Review status: criteria provided, single submitter. Criteria: LabCorp Variant Classification Summary - May 2015. Collection method: clinical testing. Allele origin: germline.

Ambry Genetics
Classification: Likely benign for Inborn genetic diseases. Last evaluated: 2022-03-30. Review status: criteria provided, single submitter. Criteria: Ambry Variant Classification Scheme 2023. Collection method: clinical testing. Allele origin: germline.

NM_005585.5(SMAD6):c.636C>T (p.Asp212=)

Gene: SMAD6 (SMAD family member 6; plus strand). Cytogenetic location: 15q22.31.
Variant type: single nucleotide variant.
Coding change: c.636C>T on transcript NM_005585.5 (MANE Select); coding-DNA position 636, C replaced by T.
Protein change: p.Asp212=; no amino-acid change (aspartic acid 212 retained).
Molecular consequence: synonymous variant. On other transcripts: non-coding transcript variant (1).
Genome position (GRCh38, 1-based): chr15:66,703,894, C>T. VCF-style: chr15-66703894-C-T. GRCh37 (hg19) VCF-style: chr15-66996232-C-T.
Other names: p.Asp212=.
Identifiers: ClinVar variation 471760 (VCV000471760.16), dbSNP rs575612166, ClinGen allele CA7626506.
Genomic context (GRCh38, chr15:66,703,894, plus strand): 5'-GGAGGCGGTGGAGTCCCGCGGCGGCGTGCCGGGCGGCTGCGTGCTGGTGCCGCGCGCCGA[C>T]CTCCGCCTGGGCGGCCAGCCCGCGCCGCCGCAGCTGCTGCTCGGCCGCCTCTTTCGCTGG-3'
Protein context (NP_005576.3, residues 202-222): PGGCVLVPRA[Asp212=]LRLGGQPAPP